The following is an entry in ClinVar:

NM_001353345.2(SETD1B):c.5861G>A (p.Cys1954Tyr)

Gene: SETD1B (SET domain containing 1B, histone lysine methyltransferase; plus strand). Cytogenetic location: 12q24.31.
Variant type: single nucleotide variant.
Coding change: c.5861G>A on transcript NM_001353345.2 (MANE Select); coding-DNA position 5861, G replaced by A.
Protein change: p.Cys1954Tyr; replaces cysteine 1954 with tyrosine.
Molecular consequence: missense variant.
Genome position (GRCh38, 1-based): chr12:121,830,199, G>A. VCF-style: chr12-121830199-G-A. GRCh37 (hg19) VCF-style: chr12-122268105-G-A.
Other names: short protein forms C1954Y.
Identifiers: ClinVar variation 4056326 (VCV004056326.2).

ClinVar aggregate classification (germline): Likely pathogenic (1 of 4 stars; one submission).

Conditions:
Intellectual developmental disorder with seizures and language delay (IDDSELD). Identifiers: MedGen C5436574, MONDO:0033559, OMIM 619000.

Submission:

Institute of Human Genetics, University of Leipzig Medical Center
Classification: Likely pathogenic for Intellectual developmental disorder with seizures and language delay. Last evaluated: 2025-06-20. Review status: criteria provided, single submitter. Criteria: ACMG Guidelines, 2015. Collection method: clinical testing. Allele origin: de novo. Inheritance: Autosomal dominant inheritance. Affected: yes.
Comment: Criteria applied: PM1_SUP,PM2,PM5_SUP,PP3